The following is an entry in ClinVar:

ClinVar aggregate classification (germline): Uncertain significance (1 of 4 stars; one submission).

Conditions:
Ehlers-Danlos syndrome, classic type, 1 (EDSCL1). Also called: Ehlers-Danlos Syndrome, Classic Type, COL5A1-Related; EDS I; EHLERS-DANLOS SYNDROME, GRAVIS TYPE; EHLERS-DANLOS SYNDROME, SEVERE CLASSIC TYPE; Ehlers-Danlos syndrome, type 1. Identifiers: MedGen C0268335, MONDO:0019567, OMIM 130000.

gnomAD v4.1: 1 of 1,605,008 alleles (0.000062%); highest among the groups gnomAD compares: Non-Finnish European, 0.000085%; no homozygotes.

Submission:

Labcorp Genetics (formerly Invitae), Labcorp
Classification: Uncertain significance for Ehlers-Danlos syndrome, classic type, 1. Last evaluated: 2026-01-12. Review status: criteria provided, single submitter. Criteria: Invitae Variant Classification Sherloc (09022015). Collection method: clinical testing. Allele origin: germline.
Comment: This sequence change replaces arginine, which is basic and polar, with glycine, which is neutral and non-polar, at codon 1114 of the COL5A2 protein (p.Arg1114Gly). This variant is not present in population databases (gnomAD no frequency). This variant has not been reported in the literature in individuals affected with COL5A2-related conditions. Invitae Evidence Modeling of protein sequence and biophysical properties (such as structural, functional, and spatial information, amino acid conservation, physicochemical variation, residue mobility, and thermodynamic stability) indicates that this missense variant is not expected to disrupt COL5A2 protein function with a negative predictive value of 80%. In summary, the available evidence is currently insufficient to determine the role of this variant in disease. Therefore, it has been classified as a Variant of Uncertain Significance.

NM_000393.5(COL5A2):c.3340C>G (p.Arg1114Gly)

Gene: COL5A2 (collagen type V alpha 2 chain; minus strand). Cytogenetic location: 2q32.2.
Variant type: single nucleotide variant.
Coding change: c.3340C>G on transcript NM_000393.5 (MANE Select); coding-DNA position 3340, C replaced by G.
Protein change: p.Arg1114Gly; replaces arginine 1114 with glycine.
Molecular consequence: missense variant.
Genome position (GRCh38, 1-based): chr2:189,045,202, G>C on the plus strand (C>G on the coding strand, the complement: COL5A2 is on the minus strand). VCF-style: chr2-189045202-G-C. GRCh37 (hg19) VCF-style: chr2-189909928-G-C.
Other names: short protein forms R1114G.
Identifiers: ClinVar variation 4807511 (VCV004807511.1).